The following is an entry in ClinVar:

NM_012398.3(PIP5K1C):c.1154G>T (p.Gly385Val)

Gene: PIP5K1C (phosphatidylinositol-4-phosphate 5-kinase type 1 gamma; minus strand). Cytogenetic location: 19p13.3.
Variant type: single nucleotide variant.
Coding change: c.1154G>T on transcript NM_012398.3 (MANE Select); coding-DNA position 1154, G replaced by T.
Protein change: p.Gly385Val; replaces glycine 385 with valine.
Molecular consequence: missense variant.
Genome position (GRCh38, 1-based): chr19:3,648,682, C>A on the plus strand (G>T on the coding strand, the complement: PIP5K1C is on the minus strand). VCF-style: chr19-3648682-C-A. GRCh37 (hg19) VCF-style: chr19-3648680-C-A.
Other names: c.1154G>T, p.Gly385Val (NM_001195733.2, NM_001300849.2); short protein forms G385V.
Identifiers: ClinVar variation 4686206 (VCV004686206.1).
Genomic context (GRCh38, chr19:3,648,682, plus strand): 5'-CACCTGTAGGACTGCAGGATGTCGATGATGCCAATGTGCAGCAGCAGCCGCTCCCCGCGG[C>A]CGTTCACAGCGGGGATCCCGCCCATCCTGGGGAGAGAGGCCGAGGGTACCATCAGCATCC-3'
Protein context (NP_036530.1, residues 375-395): DTMGGIPAVN[Gly385Val]RGERLLLHIG

ClinVar aggregate classification (germline): Uncertain significance (1 of 4 stars; one submission).

Submission:

GeneDx
Classification: Uncertain significance. Last evaluated: 2025-07-16. Review status: criteria provided, single submitter. Criteria: GeneDx Variant Classification Process June 2021. Collection method: clinical testing. Allele origin: germline. Affected: yes.
Comment: Not observed at significant frequency in large population cohorts (gnomAD); In silico analysis supports that this missense variant has a deleterious effect on protein structure/function; Has not been previously published as pathogenic or benign to our knowledge